The following is an entry in ClinVar:

ClinVar aggregate classification (germline): Benign (1 of 4 stars; one submission).

Allele frequency attached by ClinVar (database versions not stated): 1000 Genomes Project 30x 0.96034; 1000 Genomes Project 0.96346; TOPMed 0.96434; gnomAD 0.96794; gnomAD exomes 0.99675.
gnomAD v4.1: 1,409,044 of 1,418,186 alleles (99%); highest among the groups gnomAD compares: East Asian, 100%; 700,404 homozygotes.

Submission:

Unidad de Genómica Garrahan, Hospital de Pediatría Garrahan
Classification: Benign. Last evaluated: 2023-11-02. Review status: criteria provided, single submitter. Criteria: ACMG Guidelines, 2015. Collection method: clinical testing. Allele origin: germline. Affected: no. Observed: 96 variant alleles.
Comment: This variant is classified as Benign based on local population frequency. This variant was detected in 100% of patients studied by a panel of primary immunodeficiencies. Number of patients: 96. Only high quality variants are reported.

NM_000417.3(IL2RA):c.583+58A>G

Gene: IL2RA (interleukin 2 receptor subunit alpha; minus strand). Cytogenetic location: 10p15.1.
Variant type: single nucleotide variant.
Coding change: c.583+58A>G on transcript NM_000417.3 (MANE Select); 58 bases into the intron after coding-DNA position 583, A replaced by G.
Molecular consequence: intron variant.
Genome position (GRCh38, 1-based): chr10:6,021,420, T>C on the plus strand (A>G on the coding strand, the complement: IL2RA is on the minus strand). VCF-style: chr10-6021420-T-C. GRCh37 (hg19) VCF-style: chr10-6063383-T-C.
Other names: c.368-1921A>G (NM_001308243.2); c.368-1479A>G (NM_001308242.2).
Identifiers: ClinVar variation 2627900 (VCV002627900.2), dbSNP rs942199, ClinGen allele CA202293835.